The following is an entry in ClinVar:

ClinVar aggregate classification (germline): Uncertain significance (1 of 4 stars; one submission).

Conditions:
Inborn genetic diseases. Identifiers: MedGen C0950123, MeSH D030342.

Allele frequency attached by ClinVar (database versions not stated): gnomAD exomes 0.00001.
gnomAD v4.1: 3 of 1,611,454 alleles (0.00019%); highest among the groups gnomAD compares: South Asian, 0.0033%; no homozygotes.

Submission:

Ambry Genetics
Classification: Uncertain significance for Inborn genetic diseases. Last evaluated: 2024-01-30. Review status: criteria provided, single submitter. Criteria: Ambry Variant Classification Scheme 2023. Collection method: clinical testing. Allele origin: germline.
Comment: The c.220G>C (p.G74R) alteration is located in exon 3 (coding exon 3) of the PRDX3 gene. This alteration results from a G to C substitution at nucleotide position 220, causing the glycine (G) at amino acid position 74 to be replaced by an arginine (R). Based on data from gnomAD, the C allele has an overall frequency of <0.001% (1/247976) total alleles studied. The highest observed frequency was 0.003% (1/29800) of South Asian alleles. This amino acid position is highly conserved in available vertebrate species. The in silico prediction for this alteration is inconclusive. Based on insufficient or conflicting evidence, the clinical significance of this alteration remains unclear.

NM_006793.5(PRDX3):c.220G>C (p.Gly74Arg)

Gene: PRDX3 (peroxiredoxin 3; minus strand). Cytogenetic location: 10q26.11.
Variant type: single nucleotide variant.
Coding change: c.220G>C on transcript NM_006793.5 (MANE Select); coding-DNA position 220, G replaced by C.
Protein change: p.Gly74Arg; replaces glycine 74 with arginine.
Molecular consequence: missense variant. On other transcripts: non-coding transcript variant (1).
Genome position (GRCh38, 1-based): chr10:119,174,542, C>G on the plus strand (G>C on the coding strand, the complement: PRDX3 is on the minus strand). VCF-style: chr10-119174542-C-G. GRCh37 (hg19) VCF-style: chr10-120934054-C-G.
Other names: c.220G>C, p.Gly74Arg (NM_001302272.2); short protein forms G74R.
Identifiers: ClinVar variation 3218491 (VCV003218491.1), dbSNP rs1278467620, ClinGen allele CA378288423.